The following is an entry in ClinVar:

ClinVar aggregate classification (germline): Uncertain significance (1 of 4 stars; one submission).

Conditions:
Renal cell carcinoma. Identifiers: Orphanet 217071, MedGen C0007134, MeSH D002292, MONDO:0005086, HP:0005584.

Submission:

Labcorp Genetics (formerly Invitae), Labcorp
Classification: Uncertain significance for Renal cell carcinoma. Last evaluated: 2023-01-16. Review status: criteria provided, single submitter. Criteria: Invitae Variant Classification Sherloc (09022015). Collection method: clinical testing. Allele origin: germline.
Comment: This sequence change replaces asparagine, which is neutral and polar, with aspartic acid, which is acidic and polar, at codon 631 of the MET protein (p.Asn631Asp). In summary, the available evidence is currently insufficient to determine the role of this variant in disease. Therefore, it has been classified as a Variant of Uncertain Significance. This variant has not been reported in the literature in individuals affected with MET-related conditions. Algorithms developed to predict the effect of missense changes on protein structure and function (SIFT, PolyPhen-2, Align-GVGD) all suggest that this variant is likely to be tolerated. This variant is not present in population databases (gnomAD no frequency).

NM_000245.4(MET):c.1891A>G (p.Asn631Asp)

Gene: MET (MET proto-oncogene, receptor tyrosine kinase; plus strand). Cytogenetic location: 7q31.2.
Variant type: single nucleotide variant.
Coding change: c.1891A>G on transcript NM_000245.4 (MANE Select); coding-DNA position 1891, A replaced by G.
Protein change: p.Asn631Asp; replaces asparagine 631 with aspartic acid.
Molecular consequence: missense variant.
Genome position (GRCh38, 1-based): chr7:116,757,465, A>G. VCF-style: chr7-116757465-A-G. GRCh37 (hg19) VCF-style: chr7-116397519-A-G.
Other names: c.1891A>G, p.Asn631Asp (NM_001127500.3, NM_001324401.3); c.601A>G, p.Asn201Asp (NM_001324402.2); short protein forms N201D, N631D.
Identifiers: ClinVar variation 2828973 (VCV002828973.3), dbSNP rs2485710842, ClinGen allele CA368979286.
Genomic context (GRCh38, chr7:116,757,465, plus strand): 5'-GTCATGTATTAAACTTTGGGTTTTTTTTCCAGATTGAAATGCACAGTTGGTCCTGCCATG[A>G]ATAAGCATTTCAATATGTCCATAATTATTTCAAATGGCCACGGGACAACACAATACAGTA-3'
Protein context (NP_000236.2, residues 621-641): TLKCTVGPAM[Asn631Asp]KHFNMSIIIS